The following is an entry in ClinVar:

ClinVar aggregate classification (germline): Likely pathogenic (1 of 4 stars; one submission).

Conditions:
Inborn genetic diseases. Identifiers: MedGen C0950123, MeSH D030342.

Submission:

Ambry Genetics
Classification: Likely pathogenic for Inborn genetic diseases. Last evaluated: 2025-08-08. Review status: criteria provided, single submitter. Criteria: Ambry Variant Classification Scheme 2023. Collection method: clinical testing. Allele origin: germline.
Comment: The c.122_129+39delAGAAGGAGGTAAGGGCGGCGGCGGCCCGGCGCGTCCCGCCGCCGCGCinsCGAGGCGGCCCGGGGCGCGGGGCTCAGCTCTCCCCGCTTTGTTGTTGCAGGTGCTGATCCGCGAGAA alteration is located between coding exon 3 and intron 3 of the PHIP gene. This alteration consists of a deletion of 47 and insertion of 67 nucleotides between nucleotide positions c.122 and c.129+39. Alterations that disrupt the canonical splice site are expected to result in aberrant splicing. A resulting transcript is predicted to be in-frame and is not expected to trigger nonsense-mediated mRNA decay, although direct evidence is unavailable. This variant was not reported in population-based cohorts in the Genome Aggregation Database (gnomAD). This region is conserved on limited species alignment. In silico splice site analysis predicts that this alteration will weaken the native splice donor site and may result in the creation or strengthening of a novel splice donor site. Based on the available evidence, this alteration is classified as likely pathogenic.

NM_017934.7(PHIP):c.122_129+39delinsCGAGGCGGCCCGGGGCGCGGGGCTCAGCTCTCCCCGCTTTGTTGTTGCAGGTGCTGATCCGCGAGAA

Gene: PHIP (PHIP subunit of CUL4-Ring ligase complex; minus strand). Cytogenetic location: 6q14.1.
Variant type: Indel.
Coding change: c.122_129+39delinsCGAGGCGGCCCGGGGCGCGGGGCTCAGCTCTCCCCGCTTTGTTGTTGCAGGTGCTGATCCGCGAGAA on transcript NM_017934.7 (MANE Select); coding-DNA position 122 through 39 bases into the intron after coding-DNA position 129, the reference bases replaced by an inserted sequence.
Molecular consequence: splice donor variant.
Genome position (GRCh38, 1-based): chr6:79,077,661-79,077,707, 47 bases replaced. GRCh37 (hg19): chr6:79,787,378-79,787,424.
Identifiers: ClinVar variation 4135816 (VCV004135816.1).